The following is an entry in ClinVar:

ClinVar aggregate classification (germline): Uncertain significance (1 of 4 stars; one submission).

gnomAD v4.1: 3 of 1,614,090 alleles (0.00019%); highest among the groups gnomAD compares: African/African-American, 0.0013%; no homozygotes.

Submission:

Labcorp Genetics (formerly Invitae), Labcorp
Classification: Uncertain significance. Last evaluated: 2025-12-10. Review status: criteria provided, single submitter. Criteria: Invitae Variant Classification Sherloc (09022015). Collection method: clinical testing. Allele origin: germline.
Comment: This sequence change replaces lysine, which is basic and polar, with glutamic acid, which is acidic and polar, at codon 411 of the BEST1 protein (p.Lys411Glu). This variant is not present in population databases (gnomAD no frequency). This variant has not been reported in the literature in individuals affected with BEST1-related conditions. ClinVar contains an entry for this variant (Variation ID: 3681637). Invitae Evidence Modeling of protein sequence and biophysical properties (such as structural, functional, and spatial information, amino acid conservation, physicochemical variation, residue mobility, and thermodynamic stability) has been performed for this missense variant. However, the output from this modeling did not meet the statistical confidence thresholds required to predict the impact of this variant on BEST1 protein function. In summary, the available evidence is currently insufficient to determine the role of this variant in disease. Therefore, it has been classified as a Variant of Uncertain Significance.

NM_004183.4(BEST1):c.1231A>G (p.Lys411Glu)

Gene: BEST1 (bestrophin 1; plus strand). Cytogenetic location: 11q12.3.
Variant type: single nucleotide variant.
Coding change: c.1231A>G on transcript NM_004183.4 (MANE Select); coding-DNA position 1231, A replaced by G.
Protein change: p.Lys411Glu; replaces lysine 411 with glutamic acid.
Molecular consequence: missense variant. On other transcripts: non-coding transcript variant (1).
Genome position (GRCh38, 1-based): chr11:61,962,385, A>G. VCF-style: chr11-61962385-A-G. GRCh37 (hg19) VCF-style: chr11-61729857-A-G.
Other names: c.1051A>G, p.Lys351Glu (NM_001139443.3, NM_001300787.2); c.970A>G, p.Lys324Glu (NM_001300786.2); c.913A>G, p.Lys305Glu (NM_001363591.3); c.*126A>G (NM_001363592.2); c.259A>G, p.Lys87Glu (NM_001363593.3); short protein forms K324E, K305E, K411E, K351E, K87E.
Identifiers: ClinVar variation 3681637 (VCV003681637.2).
Genomic context (GRCh38, chr11:61,962,385, plus strand): 5'-GGCCGCTTCCTAGGCCTGCAGTCCCATGATCACCATCCTCCCAGGGCAAACTCAAGGACC[A>G]AACTACTGTGGCCCAAGAGGGAATCCCTTCTCCACGAGGGCCTGCCCAAAAACCACAAGG-3'
Protein context (NP_004174.1, residues 401-421): HHPPRANSRT[Lys411Glu]LLWPKRESLL